The following is an entry in ClinVar:

ClinVar aggregate classification (germline): Conflicting classifications of pathogenicity. Review status: criteria provided, conflicting classifications (1 of 4 stars). 3 submissions from 3 submitters: Uncertain significance (1); Likely benign (1). 1 of the submissions does not count toward it. Last evaluated 2023-03-23.

Conditions:
Hereditary cancer-predisposing syndrome. Also called: Hereditary Cancer Syndrome; Hereditary neoplastic syndrome; Neoplastic Syndromes, Hereditary; Tumor predisposition. Identifiers: Orphanet 140162, MedGen C0027672, MeSH D009386, MONDO:0015356.
Hereditary breast ovarian cancer syndrome. Also called: Hereditary breast and ovarian cancer syndrome (HBOC); Breast and ovarian cancer; BRCA1- and BRCA2-Associated Hereditary Breast and Ovarian Cancer; Hereditary breast and/or ovarian cancer syndrome; Hereditary breast and ovarian cancer; Hereditary breast and ovarian cancer syndrome. Identifiers: Orphanet 145, MedGen C0677776, MeSH D061325, MONDO:0003582. Disease mechanism: loss of function.
Malignant tumor of breast. Also called: Malignant breast neoplasm; Cancer breast. Identifiers: MedGen C0006142, MONDO:0007254. Disease mechanism: loss of function.

Submissions (3):

University of Washington Department of Laboratory Medicine, University of Washington
Classification: Likely benign for Hereditary cancer-predisposing syndrome. Last evaluated: 2023-03-23. Review status: criteria provided, single submitter. Criteria: Dines et al. (Genet Med. 2020). Collection method: curation. Allele origin: germline.
Comment: Missense variant in a coldspot region where missense variants are very unlikely to be pathogenic (PMID:31911673).

BRCA1 coldspot (exon 11 using historical exon numbering). Reclassification based on statistical prior probability

Labcorp Genetics (formerly Invitae), Labcorp
Classification: Uncertain significance for Hereditary breast ovarian cancer syndrome. Last evaluated: 2019-01-22. Review status: criteria provided, single submitter. Criteria: Invitae Variant Classification Sherloc (09022015). Collection method: clinical testing. Allele origin: germline.
Comment: Algorithms developed to predict the effect of missense changes on protein structure and function (SIFT, PolyPhen-2, Align-GVGD) all suggest that this variant is likely to be tolerated, but these predictions have not been confirmed by published functional studies and their clinical significance is uncertain. This variant has not been reported in the literature in individuals with BRCA1-related conditions. ClinVar contains an entry for this variant (Variation ID: 433702). This variant is not present in population databases (ExAC no frequency). This sequence change replaces glutamine with arginine at codon 921 of the BRCA1 protein (p.Gln921Arg). The glutamine residue is moderately conserved and there is a small physicochemical difference between glutamine and arginine. In summary, the available evidence is currently insufficient to determine the role of this variant in disease. Therefore, it has been classified as a Variant of Uncertain Significance.

Department of Pathology and Laboratory Medicine, Sinai Health System
Classification: Uncertain significance for Malignant tumor of breast. Review status: no assertion criteria provided. Collection method: clinical testing. Allele origin: unknown. Affected: yes. Study: The Canadian Open Genetics Repository (COGR). Not counted in ClinVar's aggregate classification.
Comment: The BRCA1 p.Gln921Arg variant was not identified in the literature nor was it identified in the dbSNP, NHLBI Exome Sequencing Project (Exome Variant Server), HGMD, LOVD, COSMIC, UMD, or BIC databases. The p.Gln921 residue is conserved in mammals but not across lower organisms, and computational analyses (PolyPhen-2, SIFT, AlignGVGD, BLOSUM, MutationTaster) do not suggest a high likelihood of impact to the protein; this information is not very predictive of pathogenicity. In summary, based on the above information, the clinical significance of this variant cannot be determined with certainty at this time. This variant is classified as a variant of unknown significance.

NM_007294.4(BRCA1):c.2762A>G (p.Gln921Arg)

Gene: BRCA1 (BRCA1 DNA repair associated; minus strand). Cytogenetic location: 17q21.31.
Variant type: single nucleotide variant.
Coding change: c.2762A>G on transcript NM_007294.4 (MANE Select); coding-DNA position 2762, A replaced by G.
Protein change: p.Gln921Arg; replaces glutamine 921 with arginine.
Molecular consequence: missense variant. On other transcripts: intron variant (137).
Genome position (GRCh38, 1-based): chr17:43,092,769, T>C on the plus strand (A>G on the coding strand, the complement: BRCA1 is on the minus strand). VCF-style: chr17-43092769-T-C. GRCh37 (hg19) VCF-style: chr17-41244786-T-C.
Other names: c.2759A>G, p.Gln920Arg (NM_001407610.1, NM_001407611.1, NM_001407612.1 and 22 more transcripts); c.2762A>G, p.Gln921Arg (NM_001407616.1, NM_001407617.1, NM_001407618.1 and 30 more transcripts); c.2753A>G, p.Gln918Arg (NM_001407646.1, NM_001407647.1); c.2639A>G, p.Gln880Arg (NM_001407648.1, NM_001407664.1, NM_001407665.1 and 19 more transcripts); c.2636A>G, p.Gln879Arg (NM_001407649.1, NM_001407670.1, NM_001407671.1 and 11 more transcripts); c.2684A>G, p.Gln895Arg (NM_001407653.1, NM_001407654.1, NM_001407655.1 and 4 more transcripts); c.2681A>G, p.Gln894Arg (NM_001407659.1, NM_001407660.1, NM_001407661.1 and 1 more transcripts); c.2621A>G, p.Gln874Arg (NM_001407692.1, NM_001407694.1, NM_001407695.1 and 29 more transcripts); and 41 more; short protein forms Q921R, Q874R, Q832R, Q851R, Q879R, Q880R, Q854R, Q873R.
Identifiers: ClinVar variation 433702 (VCV000433702.15), dbSNP rs1555588991, ClinGen allele CA10596468.